The following is an entry in ClinVar:

NM_022455.5(NSD1):c.145C>T (p.Gln49Ter)

Gene: NSD1 (nuclear receptor binding SET domain protein 1; plus strand). Cytogenetic location: 5q35.3.
Variant type: single nucleotide variant.
Coding change: c.145C>T on transcript NM_022455.5 (MANE Select); coding-DNA position 145, C replaced by T.
Protein change: p.Gln49Ter; replaces glutamine 49 with a stop codon.
Molecular consequence: nonsense. On other transcripts: intron variant (7).
Genome position (GRCh38, 1-based): chr5:177,135,248, C>T. VCF-style: chr5-177135248-C-T. GRCh37 (hg19) VCF-style: chr5-176562249-C-T.
Other names: c.-37+48C>T (NM_001409305.1, NM_001409306.1, NM_001409308.1 and 4 more transcripts); c.145C>T, p.Gln49Ter (NM_001409301.1, NM_001409302.1, NM_001409303.1 and 1 more transcripts); short protein forms Q49*.
Identifiers: ClinVar variation 859893 (VCV000859893.9), dbSNP rs1336273625, ClinGen allele CA362290956.
Genomic context (GRCh38, chr5:177,135,248, plus strand): 5'-GACAGCCCTTTCGGTAATGGTCAATCCAATTTTTCTGAGCCACTTAATGGGTGTACTATG[C>T]AGTTATCGACTGTCAGTGGAACATCCCAAAATGCTTATGGACAAGATTCTCCATCTTGTT-3'

ClinVar aggregate classification (germline): Uncertain significance. Review status: criteria provided, multiple submitters, no conflicts (2 of 4 stars). 3 submissions from 3 submitters: Uncertain significance (3). Last evaluated 2025-03-23.

Conditions:
Sotos syndrome (SOTOS). Also called: Sotos' syndrome; CHROMOSOME 5q35 DELETION SYNDROME; SOTOS SYNDROME 1; CEREBRAL GIGANTISM; Distinctive facial appearance, overgrowth in childhood, and learning disabilities or delayed development. Identifiers: Orphanet 821, MedGen C0175695, MONDO:0019349, OMIM 117550.

gnomAD v4.1: 3 of 1,613,754 alleles (0.00019%); highest among the groups gnomAD compares: Non-Finnish European, 0.00025%; no homozygotes.

Submissions (3):

Labcorp Genetics (formerly Invitae), Labcorp
Classification: Uncertain significance. Last evaluated: 2025-03-23. Review status: criteria provided, single submitter. Criteria: Invitae Variant Classification Sherloc (09022015). Collection method: clinical testing. Allele origin: germline.
Comment: This sequence change creates a premature translational stop signal (p.Gln49*) in the NSD1 gene. However, it is currently unclear if variants that occur in this region of the gene cause disease. This variant is present in population databases (no rsID available, gnomAD 0.0009%). This variant has not been reported in the literature in individuals affected with NSD1-related conditions. ClinVar contains an entry for this variant (Variation ID: 859893). In summary, the available evidence is currently insufficient to determine the role of this variant in disease. Therefore, it has been classified as a Variant of Uncertain Significance.

GeneDx
Classification: Uncertain significance. Last evaluated: 2022-12-21. Review status: criteria provided, single submitter. Criteria: GeneDx Variant Classification Process June 2021. Collection method: clinical testing. Allele origin: germline. Affected: yes.
Comment: Nonsense variant predicted to result in protein truncation or nonsense mediated decay in a gene for which loss of function is a known mechanism of disease; Has not been previously published as pathogenic or benign to our knowledge

Fulgent Genetics
Classification: Uncertain significance for Sotos syndrome. Last evaluated: 2021-09-08. Review status: criteria provided, single submitter. Criteria: ACMG Guidelines, 2015. Collection method: clinical testing. Allele origin: unknown.